The following is an entry in ClinVar:

NM_001429.4(EP300):c.3464C>G (p.Pro1155Arg)

Gene: EP300 (E1A binding protein p300; plus strand). Cytogenetic location: 22q13.2.
Variant type: single nucleotide variant.
Coding change: c.3464C>G on transcript NM_001429.4 (MANE Select); coding-DNA position 3464, C replaced by G.
Protein change: p.Pro1155Arg; replaces proline 1155 with arginine.
Molecular consequence: missense variant.
Genome position (GRCh38, 1-based): chr22:41,157,371, C>G. VCF-style: chr22-41157371-C-G. GRCh37 (hg19) VCF-style: chr22-41553375-C-G.
Other names: c.3386C>G, p.Pro1129Arg (NM_001362843.2); short protein forms P1129R, P1155R.
Identifiers: ClinVar variation 3350715 (VCV003350715.1).

ClinVar aggregate classification (germline): Uncertain significance (0 of 4 stars; one submission).

Conditions:
EP300-related disorder. Also called: EP300-related disorders; EP300-related condition.

Submission:

PreventionGenetics, part of Exact Sciences
Classification: Uncertain significance for EP300-related condition. Last evaluated: 2024-04-26. Review status: no assertion criteria provided. Collection method: clinical testing. Allele origin: germline.
Comment: The EP300 c.3464C>G variant is predicted to result in the amino acid substitution p.Pro1155Arg. To our knowledge, this variant has not been reported in the literature or in a large population database, indicating this variant is rare. To our knowledge, no other established pathogenic missense variants have been reported in exon 18 (Human Gene Mutation Database). Limited clinical information was provided. Although we suspect that this variant may be pathogenic, at this time, the clinical significance of this variant is uncertain due to the absence of conclusive functional and genetic evidence.